The following is an entry in ClinVar:

ClinVar aggregate classification (germline): Uncertain significance (1 of 4 stars; one submission).

Allele frequency attached by ClinVar (database versions not stated): gnomAD exomes below 0.00001; gnomAD 0.00001.
gnomAD v4.1: 5 of 1,614,024 alleles (0.00031%); highest among the groups gnomAD compares: Admixed American, 0.0033%; no homozygotes.

Submission:

Labcorp Genetics (formerly Invitae), Labcorp
Classification: Uncertain significance. Last evaluated: 2024-04-08. Review status: criteria provided, single submitter. Criteria: Invitae Variant Classification Sherloc (09022015). Collection method: clinical testing. Allele origin: germline.
Comment: This sequence change replaces isoleucine, which is neutral and non-polar, with valine, which is neutral and non-polar, at codon 156 of the ARHGAP31 protein (p.Ile156Val). This variant is present in population databases (no rsID available, gnomAD 0.003%). This variant has not been reported in the literature in individuals affected with ARHGAP31-related conditions. An algorithm developed to predict the effect of missense changes on protein structure and function (PolyPhen-2) suggests that this variant is likely to be disruptive. In summary, the available evidence is currently insufficient to determine the role of this variant in disease. Therefore, it has been classified as a Variant of Uncertain Significance.

NM_020754.4(ARHGAP31):c.466A>G (p.Ile156Val)

Gene: ARHGAP31 (Rho GTPase activating protein 31; plus strand). Cytogenetic location: 3q13.33.
Variant type: single nucleotide variant.
Coding change: c.466A>G on transcript NM_020754.4 (MANE Select); coding-DNA position 466, A replaced by G.
Protein change: p.Ile156Val; replaces isoleucine 156 with valine.
Molecular consequence: missense variant.
Genome position (GRCh38, 1-based): chr3:119,382,326, A>G. VCF-style: chr3-119382326-A-G. GRCh37 (hg19) VCF-style: chr3-119101173-A-G.
Other names: short protein forms I156V.
Identifiers: ClinVar variation 2973535 (VCV002973535.3), dbSNP rs1449325748, ClinGen allele CA354025418.